The following is an entry in ClinVar:

NM_001267550.2(TTN):c.50028G>A (p.Glu16676=)

Genes: TTN (titin; minus strand), TTN-AS1 (TTN antisense RNA 1; plus strand). Cytogenetic location: 2q31.2.
Variant type: single nucleotide variant.
Coding change: c.50028G>A on transcript NM_001267550.2 (MANE Select); coding-DNA position 50028, G replaced by A.
Protein change: p.Glu16676=; no amino-acid change (glutamic acid 16676 retained).
Molecular consequence: synonymous variant.
Genome position (GRCh38, 1-based): chr2:178,612,497, C>T on the plus strand (G>A on the coding strand, the complement: TTN is on the minus strand). VCF-style: chr2-178612497-C-T. GRCh37 (hg19) VCF-style: chr2-179477224-C-T.
Other names: c.42324G>A, p.Glu14108= (NM_133378.4); c.45105G>A, p.Glu15035= (NM_001256850.1); c.22833G>A, p.Glu7611= (NM_003319.4); c.23208G>A, p.Glu7736= (NM_133432.3); c.23409G>A, p.Glu7803= (NM_133437.4).
Identifiers: ClinVar variation 166010 (VCV000166010.16), dbSNP rs727503621, ClinGen allele CA178826.

ClinVar aggregate classification (germline): Likely benign. Review status: criteria provided, multiple submitters, no conflicts (2 of 4 stars). 4 submissions from 4 submitters: Likely benign (4). Last evaluated 2025-11-24.

Conditions:
Autosomal recessive limb-girdle muscular dystrophy type 2J (LGMDR10). Also called: Limb-girdle muscular dystrophy, type 2J; MUSCULAR DYSTROPHY, LIMB-GIRDLE, AUTOSOMAL RECESSIVE 10. Identifiers: Orphanet 140922, MedGen C1837342, MONDO:0012127, OMIM 608807.
Dilated cardiomyopathy 1G (CMD1G). Identifiers: Orphanet 154, MedGen C1858763, MONDO:0011400, OMIM 604145.
Cardiovascular phenotype. Identifiers: MedGen CN230736.

Allele frequency attached by ClinVar (database versions not stated): gnomAD exomes below 0.00001; TOPMed below 0.00001.
gnomAD v4.1: 1 of 1,612,010 alleles (0.000062%); highest among the groups gnomAD compares: Non-Finnish European, 0.000085%; no homozygotes.

Submissions (4):

Labcorp Genetics (formerly Invitae), Labcorp
Classification: Likely benign for Dilated cardiomyopathy 1G; Autosomal recessive limb-girdle muscular dystrophy type 2J. Last evaluated: 2025-11-24. Review status: criteria provided, single submitter. Criteria: Invitae Variant Classification Sherloc (09022015). Collection method: clinical testing. Allele origin: germline.

Ambry Genetics
Classification: Likely benign for Cardiovascular phenotype. Last evaluated: 2025-06-17. Review status: criteria provided, single submitter. Criteria: Ambry Variant Classification Scheme 2023. Collection method: clinical testing. Allele origin: germline.

Blueprint Genetics
Classification: Likely benign. Last evaluated: 2024-08-16. Review status: criteria provided, single submitter. Criteria: ACMG Guidelines, 2015. Collection method: clinical testing. Allele origin: germline.

Laboratory for Molecular Medicine, Mass General Brigham Personalized Medicine
Classification: Likely benign. Last evaluated: 2014-11-03. Review status: criteria provided, single submitter. Criteria: LMM Criteria. Collection method: clinical testing. Allele origin: germline. Observed: 1 variant allele.
Comment: p.Glu14108Glu in exon 215 of TTN: This variant is not expected to have clinical significance because it does not alter an amino acid residue and is not located within the splice consensus sequence.